The following is an entry in ClinVar:

NM_014946.4(SPAST):c.1A>G (p.Met1Val)

Gene: SPAST (spastin; plus strand). Cytogenetic location: 2p22.3.
Variant type: single nucleotide variant.
Coding change: c.1A>G on transcript NM_014946.4 (MANE Select); coding-DNA position 1, A replaced by G.
Protein change: p.Met1Val; changes the start codon (methionine 1).
Molecular consequence: missense variant, initiator codon variant.
Genome position (GRCh38, 1-based): chr2:32,063,832, A>G. VCF-style: chr2-32063832-A-G. GRCh37 (hg19) VCF-style: chr2-32288901-A-G.
Other names: c.1A>G, p.Met1Val (NM_001363823.2, NM_001363875.2, NM_001377959.1 and 1 more transcripts); short protein forms M1V.
Identifiers: ClinVar variation 2650803 (VCV002650803.25), dbSNP rs2465679256, ClinGen allele CA346601167.

ClinVar aggregate classification (germline): Uncertain significance. Review status: criteria provided, multiple submitters, no conflicts (2 of 4 stars). 2 submissions from 2 submitters: Uncertain significance (2). Last evaluated 2024-01-10.

Conditions:
Hereditary spastic paraplegia 4. Also called: Spastic paraplegia 4, autosomal dominant; Spastic Paraplegia 4; Familial spastic paraplegia autosomal dominant 2. Identifiers: Orphanet 100985, MedGen C1866855, MONDO:0008438, OMIM 182601.

Submissions (2):

Institute of Medical Genetics and Applied Genomics, University Hospital Tübingen
Classification: Uncertain significance for Hereditary spastic paraplegia 4. Last evaluated: 2024-01-10. Review status: criteria provided, single submitter. Criteria: ACMG Guidelines, 2015. Collection method: clinical testing. Allele origin: germline. Inheritance: Autosomal dominant inheritance. Affected: yes.

CeGaT Center for Human Genetics Tuebingen
Classification: Uncertain significance. Last evaluated: 2023-03-01. Review status: criteria provided, single submitter. Criteria: CeGaT Center For Human Genetics Tuebingen Variant Classification Criteria Version 2. Collection method: clinical testing. Allele origin: germline. Affected: yes. Observed: 1 variant allele.
Comment: SPAST: PM2, PVS1:Moderate